The following is an entry in ClinVar:

NM_000088.4(COL1A1):c.3395C>G (p.Ser1132Cys)

Gene: COL1A1 (collagen type I alpha 1 chain; minus strand). Cytogenetic location: 17q21.33.
Variant type: single nucleotide variant.
Coding change: c.3395C>G on transcript NM_000088.4 (MANE Select); coding-DNA position 3395, C replaced by G.
Protein change: p.Ser1132Cys; replaces serine 1132 with cysteine.
Molecular consequence: missense variant.
Genome position (GRCh38, 1-based): chr17:50,187,512, G>C on the plus strand (C>G on the coding strand, the complement: COL1A1 is on the minus strand). VCF-style: chr17-50187512-G-C. GRCh37 (hg19) VCF-style: chr17-48264873-G-C.
Other names: short protein forms S1132C.
Identifiers: ClinVar variation 4800885 (VCV004800885.2).

ClinVar aggregate classification (germline): Uncertain significance. Review status: criteria provided, multiple submitters, no conflicts (2 of 4 stars). 2 submissions from 2 submitters: Uncertain significance (2). Last evaluated 2026-08-31.

Conditions:
Osteogenesis imperfecta type I (OI1). Also called: OI, TYPE I; OSTEOGENESIS IMPERFECTA TARDA; OSTEOGENESIS IMPERFECTA WITH BLUE SCLERAE; Classic Non-deforming Osteogenesis Imperfecta with Blue Sclerae; Osteogenesis imperfecta type 1; Lobstein's Disease. Identifiers: Orphanet 216796, Orphanet 666, MedGen C0023931, MONDO:0008146, OMIM 166200. Disease mechanism: loss of function.
Cardiovascular phenotype. Identifiers: MedGen CN230736.

Submissions (2):

Ambry Genetics
Classification: Uncertain significance for Cardiovascular phenotype. Last evaluated: 2026-08-31. Review status: criteria provided, single submitter. Criteria: Ambry Variant Classification Scheme 2023. Collection method: clinical testing. Allele origin: germline.
Comment: The p.S1132C variant (also known as c.3395C>G), located in coding exon 46 of the COL1A1 gene, results from a C to G substitution at nucleotide position 3395. The serine at codon 1132 is replaced by cysteine, an amino acid with dissimilar properties. This amino acid position is conserved. In addition, the in silico prediction for this alteration is inconclusive. Based on the available evidence, the clinical significance of this variant remains unclear.

Labcorp Genetics (formerly Invitae), Labcorp
Classification: Uncertain significance for Osteogenesis imperfecta type I. Last evaluated: 2026-01-05. Review status: criteria provided, single submitter. Criteria: Invitae Variant Classification Sherloc (09022015). Collection method: clinical testing. Allele origin: germline.
Comment: This sequence change replaces serine, which is neutral and polar, with cysteine, which is neutral and slightly polar, at codon 1132 of the COL1A1 protein (p.Ser1132Cys). This variant is not present in population databases (gnomAD no frequency). This variant has not been reported in the literature in individuals affected with COL1A1-related conditions. Invitae Evidence Modeling of protein sequence and biophysical properties (such as structural, functional, and spatial information, amino acid conservation, physicochemical variation, residue mobility, and thermodynamic stability) indicates that this missense variant is expected to disrupt COL1A1 protein function with a positive predictive value of 80%. In summary, the available evidence is currently insufficient to determine the role of this variant in disease. Therefore, it has been classified as a Variant of Uncertain Significance.